The following is an entry in ClinVar:

ClinVar aggregate classification (germline): Uncertain significance (1 of 4 stars; one submission).

Conditions:
Wilson disease (WND). Also called: Wilson's disease. Identifiers: Orphanet 905, MedGen C0019202, MONDO:0010200, OMIM 277900. Disease mechanism: loss of function.

gnomAD v4.1: 1 of 1,614,094 alleles (0.000062%); highest among the groups gnomAD compares: East Asian, 0.0022%; no homozygotes.

Submission:

All of Us Research Program, National Institutes of Health
Classification: Uncertain significance for Wilson disease. Last evaluated: 2023-05-31. Review status: criteria provided, single submitter. Criteria: ACMG Guidelines, 2015. Collection method: clinical testing. Allele origin: germline. Inheritance: Autosomal recessive inheritance. Observed: 1 variant allele, 1 heterozygote.
Comment: This study involves interpretation of variants in research participants for the purpose of population health screening. Participant phenotype was not available at the time of variant classification. Additional details can be found in publication PMID: 35346344, PMCID: PMC8962531

NM_000053.4(ATP7B):c.4209C>A (p.His1403Gln)

Gene: ATP7B (ATPase copper transporting beta; minus strand). Cytogenetic location: 13q14.3.
Variant type: single nucleotide variant.
Coding change: c.4209C>A on transcript NM_000053.4 (MANE Select); coding-DNA position 4209, C replaced by A.
Protein change: p.His1403Gln; replaces histidine 1403 with glutamine.
Molecular consequence: missense variant.
Genome position (GRCh38, 1-based): chr13:51,934,945, G>T on the plus strand (C>A on the coding strand, the complement: ATP7B is on the minus strand). VCF-style: chr13-51934945-G-T. GRCh37 (hg19) VCF-style: chr13-52509081-G-T.
Other names: c.3588C>A, p.His1196Gln (NM_001005918.3); c.3876C>A, p.His1292Gln (NM_001243182.2); c.3975C>A, p.His1325Gln (NM_001330578.2, NM_001406527.1, NM_001406528.1); c.3957C>A, p.His1319Gln (NM_001330579.2, NM_001406531.1, NM_001406532.1); c.4209C>A, p.His1403Gln (NM_001406511.1, NM_001406512.1); c.4203C>A, p.His1401Gln (NM_001406513.1); c.4176C>A, p.His1392Gln (NM_001406514.1); c.4155C>A, p.His1385Gln (NM_001406515.1, NM_001406516.1); and 21 more; short protein forms H1122Q, H1176Q, H1187Q, H1196Q, H1209Q, H1239Q, H1241Q, H1254Q.
Identifiers: ClinVar variation 3071157 (VCV003071157.1), dbSNP rs1310796915, ClinGen allele CA388019579.